The following is an entry in ClinVar:

ClinVar aggregate classification (germline): Pathogenic (1 of 4 stars; one submission).

Conditions:
Neurofibromatosis, type 1 (NF1). Also called: Peripheral type neurofibromatosis; NEUROFIBROMATOSIS, TYPE I, SOMATIC; VON RECKLINGHAUSEN DISEASE; Neurofibromatosis, type I. Identifiers: Orphanet 636, MedGen C0027831, MONDO:0018975, OMIM 162200. Disease mechanism: loss of function.

Submission:

Labcorp Genetics (formerly Invitae), Labcorp
Classification: Pathogenic for Neurofibromatosis, type 1. Last evaluated: 2023-07-28. Review status: criteria provided, single submitter. Criteria: Invitae Variant Classification Sherloc (09022015). Collection method: clinical testing. Allele origin: germline.
Comment: For these reasons, this variant has been classified as Pathogenic. This variant has not been reported in the literature in individuals affected with NF1-related conditions. This variant is not present in population databases (gnomAD no frequency). This sequence change creates a premature translational stop signal (p.Trp1641Cysfs*41) in the NF1 gene. It is expected to result in an absent or disrupted protein product. Loss-of-function variants in NF1 are known to be pathogenic (PMID: 10712197, 23913538).

Literature cited by the submitters: PubMed 10712197; PubMed 23913538.

NM_001042492.3(NF1):c.4972_4985dup (p.Trp1662fs)

Gene: NF1 (neurofibromin 1; plus strand). Cytogenetic location: 17q11.2.
Variant type: Duplication.
Coding change: c.4972_4985dup on transcript NM_001042492.3 (MANE Select); coding-DNA positions 4972 to 4985, 14 bases duplicated (TTTCTCTCTAAGTG).
Protein change: p.Trp1662fs; shifts the reading frame from tryptophan 1662.
Molecular consequence: frameshift variant.
Genome position (GRCh38, 1-based): chr17:31,325,956-31,325,969, TTTCTCTCTAAGTG duplicated. VCF-style (leftmost placement, unchanged base first): chr17-31325955-C-CTTTCTCTCTAAGTG. GRCh37 (hg19) VCF-style: chr17-29652973-C-CTTTCTCTCTAAGTG.
Other names: c.4909_4922dup, p.Trp1641Cysfs (NM_000267.4); short protein forms W1662fs, W1641fs.
Identifiers: ClinVar variation 2747561 (VCV002747561.3), dbSNP rs2508695658, ClinGen allele CA2697559551.